The following is an entry in ClinVar:

ClinVar aggregate classification (germline): Uncertain significance (0 of 4 stars; one submission).

Conditions:
RERE-related disorder. Also called: RERE-Related Disorders; RERE-related condition. Identifiers: MedGen CN381537.

Submission:

PreventionGenetics, part of Exact Sciences
Classification: Uncertain significance for RERE-related condition. Last evaluated: 2024-07-30. Review status: no assertion criteria provided. Collection method: clinical testing. Allele origin: germline.
Comment: The RERE c.3544C>T variant is predicted to result in premature protein termination (p.Arg1182*). This variant was not reported in gnomAD v2 (as displayed in the table above). However, in gnomAD v4 (available only on GRCh38), this variant is present in 2 alleles out of 1,610,000 alleles. Although we suspect that this variant may be pathogenic, at this time, the clinical significance of this variant is uncertain due to the absence of conclusive functional and genetic evidence.

NM_001042681.2(RERE):c.3544C>T (p.Arg1182Ter)

Gene: RERE (arginine-glutamic acid dipeptide repeats; minus strand). Cytogenetic location: 1p36.23.
Variant type: single nucleotide variant.
Coding change: c.3544C>T on transcript NM_001042681.2 (MANE Select); coding-DNA position 3544, C replaced by T.
Protein change: p.Arg1182Ter; replaces arginine 1182 with a stop codon.
Molecular consequence: nonsense.
Genome position (GRCh38, 1-based): chr1:8,359,838, G>A on the plus strand (C>T on the coding strand, the complement: RERE is on the minus strand). VCF-style: chr1-8359838-G-A. GRCh37 (hg19) VCF-style: chr1-8419898-G-A.
Other names: c.1882C>T, p.Arg628Ter (NM_001042682.2); c.3544C>T, p.Arg1182Ter (NM_012102.4); short protein forms R1182*, R628*.
Identifiers: ClinVar variation 2629200 (VCV002629200.2), dbSNP rs2124364403, ClinGen allele CA338170352.